The following is an entry in ClinVar:

NM_000321.3(RB1):c.-63C>A

Gene: RB1 (RB transcriptional corepressor 1; plus strand). Cytogenetic location: 13q14.2.
Variant type: single nucleotide variant.
Coding change: c.-63C>A on transcript NM_000321.3 (MANE Select); 63 bases upstream of the start codon, C replaced by A.
Molecular consequence: 5 prime UTR variant.
Genome position (GRCh38, 1-based): chr13:48,303,850, C>A. VCF-style: chr13-48303850-C-A. GRCh37 (hg19) VCF-style: chr13-48877986-C-A.
Other names: c.-63C>A (NM_001407165.1, NM_001407166.1, NM_001407167.1).
Identifiers: ClinVar variation 3705183 (VCV003705183.2).

ClinVar aggregate classification (germline): Uncertain significance (1 of 4 stars; one submission).

Conditions:
Retinoblastoma (RB1). Also called: RETINOBLASTOMA, SOMATIC. Identifiers: Orphanet 790, MedGen C0035335, MeSH D012175, MONDO:0008380, OMIM 180200, HP:0009919. Disease mechanism: loss of function. Inheritance: Both sporadic and heritable forms are tested..

gnomAD v4.1: 9 of 1,495,536 alleles (0.0006%); highest among the groups gnomAD compares: Non-Finnish European, 0.0008%; no homozygotes.

Submission:

Labcorp Genetics (formerly Invitae), Labcorp
Classification: Uncertain significance for Retinoblastoma. Last evaluated: 2025-03-11. Review status: criteria provided, single submitter. Criteria: Invitae Variant Classification Sherloc (09022015). Collection method: clinical testing. Allele origin: germline.
Comment: This variant occurs in a non-coding region of the RB1 gene. It does not change the encoded amino acid sequence of the RB1 protein. This variant is not present in population databases (gnomAD no frequency). This variant has not been reported in the literature in individuals affected with RB1-related conditions. Experimental studies and prediction algorithms are not available or were not evaluated, and the functional significance of this variant is currently unknown. In summary, the available evidence is currently insufficient to determine the role of this variant in disease. Therefore, it has been classified as a Variant of Uncertain Significance.